The following is an entry in ClinVar:

NM_001999.4(FBN2):c.3472+1G>A

Gene: FBN2 (fibrillin 2; minus strand). Cytogenetic location: 5q23.3.
Variant type: single nucleotide variant.
Coding change: c.3472+1G>A on transcript NM_001999.4 (MANE Select); the canonical splice donor site of the intron after coding-DNA position 3472, G replaced by A.
Molecular consequence: splice donor variant.
Genome position (GRCh38, 1-based): chr5:128,338,932, C>T on the plus strand (G>A on the coding strand, the complement: FBN2 is on the minus strand). VCF-style: chr5-128338932-C-T. GRCh37 (hg19) VCF-style: chr5-127674624-C-T.
Identifiers: ClinVar variation 458758 (VCV000458758.10), dbSNP rs1554123136, ClinGen allele CA360759716.

ClinVar aggregate classification (germline): Likely pathogenic. Review status: criteria provided, multiple submitters, no conflicts (2 of 4 stars). 2 submissions from 2 submitters: Likely pathogenic (2). Last evaluated 2023-08-01.

Conditions:
FBN2-related disorder. Also called: FBN2-related condition.
Congenital contractural arachnodactyly (CCA). Also called: Beals-Hecht syndrome; BEALS SYNDROME; Arthrogryposis, distal, type 9. Identifiers: Orphanet 115, MedGen C0220668, MONDO:0007363, OMIM 121050.

Submissions (2):

PreventionGenetics, part of Exact Sciences
Classification: Likely pathogenic for FBN2-related condition. Last evaluated: 2023-08-01. Review status: criteria provided, single submitter. Criteria: ACMG Guidelines, 2015. Collection method: clinical testing. Allele origin: germline.
Comment: The FBN2 c.3472+1G>A variant is predicted to disrupt the GT donor site and interfere with normal splicing. To our knowledge, this variant has not been reported in the literature. Other nucleotide substitutions impacting the same canonical splice donor site have been reported in individuals affected with FBN2-related disease (Gupta et al. 2002. PubMed ID: 11754102; Sun et al. 2022. PubMed ID: 35360850). This variant has not been reported in a large population database, indicating this variant is rare. Variants that disrupt the consensus splice donor site in FBN2 are expected to be pathogenic. This variant is interpreted as likely pathogenic.

Labcorp Genetics (formerly Invitae), Labcorp
Classification: Likely pathogenic for Congenital contractural arachnodactyly. Last evaluated: 2017-09-28. Review status: criteria provided, single submitter. Criteria: Invitae Variant Classification Sherloc (09022015). Collection method: clinical testing. Allele origin: germline.
Comment: This sequence change affects a donor splice site in intron 26 of the FBN2 gene. It is expected to disrupt RNA splicing and likely results in an absent or disrupted protein product. This variant is not present in population databases (ExAC no frequency). Algorithms developed to predict the effect of sequence changes on RNA splicing suggest that this variant may disrupt the consensus splice site, but this prediction has not been confirmed by published transcriptional studies. This variant is expected to disrupt the splicing of exon 26 which contains a EGF-like domain. Variants predicted to disrupt the splicing of exons containing EGF-like domains are significantly enriched in individuals with congenital contractural arachnodacty and are considered likely pathogenic for the condition (PMID: 11754102, 17345643). In summary, the currently available evidence indicates that the variant is pathogenic, but additional data are needed to prove that conclusively. Therefore, this variant has been classified as Likely Pathogenic.

Literature cited by the submitters: PubMed 11754102 (cited by Labcorp Genetics (formerly Invitae), Labcorp); PubMed 17345643 (cited by Labcorp Genetics (formerly Invitae), Labcorp).